The following is an entry in ClinVar:

ClinVar aggregate classification (germline): Likely benign. Review status: criteria provided, single submitter (1 of 4 stars). 2 submissions from 2 submitters: Likely benign (1). 1 of the submissions does not count toward it. Last evaluated 2025-11-18.

Conditions:
NPHP4-related disorder. Also called: NPHP4-related condition; NPHP4-related disorders. Identifiers: MedGen CN239384.
Nephronophthisis. Also called: Juvenile Nephronophthisis. Identifiers: Orphanet 655, MedGen C0687120, MONDO:0019005, HP:0000090.

Allele frequency attached by ClinVar (database versions not stated): 1000 Genomes Project 0.00020; TOPMed 0.00002; gnomAD 0.00005 and 0.00004; 1000 Genomes Project 30x 0.00016.
gnomAD v4.1: 87 of 1,612,910 alleles (0.0054%); highest among the groups gnomAD compares: Middle Eastern, 0.017%; no homozygotes.

Submissions (2):

Labcorp Genetics (formerly Invitae), Labcorp
Classification: Likely benign for Nephronophthisis. Last evaluated: 2025-11-18. Review status: criteria provided, single submitter. Criteria: Invitae Variant Classification Sherloc (09022015). Collection method: clinical testing. Allele origin: germline.

PreventionGenetics, part of Exact Sciences
Classification: Likely benign for NPHP4-related condition. Last evaluated: 2019-10-15. Review status: no assertion criteria provided. Collection method: clinical testing. Allele origin: germline. Not counted in ClinVar's aggregate classification.
Comment: This variant is classified as likely benign based on ACMG/AMP sequence variant interpretation guidelines (Richards et al. 2015 PMID: 25741868, with internal and published modifications).

NM_015102.5(NPHP4):c.891C>T (p.Phe297=)

Gene: NPHP4 (nephrocystin 4; minus strand). Cytogenetic location: 1p36.31.
Variant type: single nucleotide variant.
Coding change: c.891C>T on transcript NM_015102.5 (MANE Select); coding-DNA position 891, C replaced by T.
Protein change: p.Phe297=; no amino-acid change (phenylalanine 297 retained).
Molecular consequence: synonymous variant. On other transcripts: 5 prime UTR variant (2), non-coding transcript variant (1).
Genome position (GRCh38, 1-based): chr1:5,948,171, G>A on the plus strand (C>T on the coding strand, the complement: NPHP4 is on the minus strand). VCF-style: chr1-5948171-G-A. GRCh37 (hg19) VCF-style: chr1-6008231-G-A.
Other names: c.-476C>T (NM_001291593.2, NM_001291594.2); c.891C>T (NM_015102.4).
Identifiers: ClinVar variation 1090641 (VCV001090641.11), dbSNP rs547403324, ClinGen allele CA554708.